The following is an entry in ClinVar:

ClinVar aggregate classification (germline): Uncertain significance (1 of 4 stars; one submission).

Conditions:
Emery-Dreifuss muscular dystrophy 4, autosomal dominant (EDMD4). Also called: EMERY-DREIFUSS MUSCULAR DYSTROPHY 4 WITH VARIABLE FEATURES. Identifiers: Orphanet 261, MedGen C2751807, MONDO:0013071, OMIM 612998.
Autosomal recessive ataxia, Beauce type. Also called: Spinocerebellar ataxia, autosomal recessive 8; ATAXIA, RECESSIVE, OF BEAUCE; SYNE1-Related Autosomal Recessive Cerebellar Ataxia; SYNE1 Deficiency. Identifiers: Orphanet 88644, MedGen C1853116, MONDO:0012549, OMIM 610743.

Submission:

Labcorp Genetics (formerly Invitae), Labcorp
Classification: Uncertain significance for Emery-Dreifuss muscular dystrophy 4, autosomal dominant; Autosomal recessive ataxia, Beauce type. Last evaluated: 2024-03-01. Review status: criteria provided, single submitter. Criteria: Invitae Variant Classification Sherloc (09022015). Collection method: clinical testing. Allele origin: germline.
Comment: This sequence change replaces isoleucine, which is neutral and non-polar, with threonine, which is neutral and polar, at codon 6470 of the SYNE1 protein (p.Ile6470Thr). This variant is not present in population databases (gnomAD no frequency). This variant has not been reported in the literature in individuals affected with SYNE1-related conditions. Algorithms developed to predict the effect of missense changes on protein structure and function output the following: SIFT: "Not Available"; PolyPhen-2: "Benign"; Align-GVGD: "Not Available". The threonine amino acid residue is found in multiple mammalian species, which suggests that this missense change does not adversely affect protein function. In summary, the available evidence is currently insufficient to determine the role of this variant in disease. Therefore, it has been classified as a Variant of Uncertain Significance.

NM_182961.4(SYNE1):c.19622T>C (p.Ile6541Thr)

Gene: SYNE1 (spectrin repeat containing nuclear envelope protein 1; minus strand). Cytogenetic location: 6q25.2.
Variant type: single nucleotide variant.
Coding change: c.19622T>C on transcript NM_182961.4 (MANE Select); coding-DNA position 19622, T replaced by C.
Protein change: p.Ile6541Thr; replaces isoleucine 6541 with threonine.
Molecular consequence: missense variant.
Genome position (GRCh38, 1-based): chr6:152,244,607, A>G on the plus strand (T>C on the coding strand, the complement: SYNE1 is on the minus strand). VCF-style: chr6-152244607-A-G. GRCh37 (hg19) VCF-style: chr6-152565742-A-G.
Other names: c.19409T>C, p.Ile6470Thr (NM_033071.5); short protein forms I6470T, I6541T.
Identifiers: ClinVar variation 3749084 (VCV003749084.2).